The following is an entry in ClinVar:

NM_015570.4(AUTS2):c.3643G>A (p.Ala1215Thr)

Gene: AUTS2 (activator of transcription and developmental regulator AUTS2; plus strand). Cytogenetic location: 7q11.22.
Variant type: single nucleotide variant.
Coding change: c.3643G>A on transcript NM_015570.4 (MANE Select); coding-DNA position 3643, G replaced by A.
Protein change: p.Ala1215Thr; replaces alanine 1215 with threonine.
Molecular consequence: missense variant.
Genome position (GRCh38, 1-based): chr7:70,790,859, G>A. VCF-style: chr7-70790859-G-A. GRCh37 (hg19) VCF-style: chr7-70255845-G-A.
Other names: c.3571G>A, p.Ala1191Thr (NM_001127231.3); short protein forms A1191T, A1215T.
Identifiers: ClinVar variation 2439435 (VCV002439435.7), dbSNP rs768354002, ClinGen allele CA4281395.

ClinVar aggregate classification (germline): Uncertain significance. Review status: criteria provided, multiple submitters, no conflicts (2 of 4 stars). 3 submissions from 3 submitters: Uncertain significance (3). Last evaluated 2025-05-20.

Conditions:
Inborn genetic diseases. Identifiers: MedGen C0950123, MeSH D030342.
Autism spectrum disorder due to AUTS2 deficiency (MRD26). Also called: INTELLECTUAL DEVELOPMENTAL DISORDER, AUTOSOMAL DOMINANT 26. Identifiers: Orphanet 352490, MedGen C4014435, MONDO:0014361, OMIM 615834.

Allele frequency attached by ClinVar (database versions not stated): TOPMed below 0.00001; gnomAD 0.00001; gnomAD exomes 0.00001; ExAC 0.00002.
gnomAD v4.1: 5 of 1,605,994 alleles (0.00031%); highest among the groups gnomAD compares: Non-Finnish European, 0.00043%; no homozygotes.

Submissions (3):

Ambry Genetics
Classification: Uncertain significance for Inborn genetic diseases. Last evaluated: 2025-05-20. Review status: criteria provided, single submitter. Criteria: Ambry Variant Classification Scheme 2023. Collection method: clinical testing. Allele origin: germline.

Labcorp Genetics (formerly Invitae), Labcorp
Classification: Uncertain significance. Last evaluated: 2023-05-20. Review status: criteria provided, single submitter. Criteria: Invitae Variant Classification Sherloc (09022015). Collection method: clinical testing. Allele origin: germline.
Comment: In summary, the available evidence is currently insufficient to determine the role of this variant in disease. Therefore, it has been classified as a Variant of Uncertain Significance. Advanced modeling of protein sequence and biophysical properties (such as structural, functional, and spatial information, amino acid conservation, physicochemical variation, residue mobility, and thermodynamic stability) performed at Invitae indicates that this missense variant is not expected to disrupt AUTS2 protein function. ClinVar contains an entry for this variant (Variation ID: 2439435). This variant has not been reported in the literature in individuals affected with AUTS2-related conditions. This variant is present in population databases (rs768354002, gnomAD 0.002%). This sequence change replaces alanine, which is neutral and non-polar, with threonine, which is neutral and polar, at codon 1215 of the AUTS2 protein (p.Ala1215Thr).

Revvity Omics, Revvity
Classification: Uncertain significance for Autism spectrum disorder due to AUTS2 deficiency. Last evaluated: 2020-12-30. Review status: criteria provided, single submitter. Criteria: ACMG Guidelines, 2015. Collection method: clinical testing. Allele origin: germline.